The following is an entry in ClinVar:

ClinVar aggregate classification (germline): Uncertain significance (1 of 4 stars; one submission).

Conditions:
SEMA6B-related disorder. Also called: SEMA6B-related condition.

Submission:

PreventionGenetics, part of Exact Sciences
Classification: Uncertain significance for SEMA6B-related condition. Last evaluated: 2024-12-19. Review status: criteria provided, single submitter. Criteria: ACMG Guidelines, 2015. Collection method: clinical testing. Allele origin: germline.
Comment: The SEMA6B c.1657A>G variant is predicted to result in the amino acid substitution p.Ile553Val. To our knowledge, this variant has not been reported in the literature or in a large population database (gnomAD), indicating this variant is rare. At this time, the clinical significance of this variant is uncertain due to the absence of conclusive functional and genetic evidence.

NM_032108.4(SEMA6B):c.1657A>G (p.Ile553Val)

Gene: SEMA6B (semaphorin 6B; minus strand). Cytogenetic location: 19p13.3.
Variant type: single nucleotide variant.
Coding change: c.1657A>G on transcript NM_032108.4 (MANE Select); coding-DNA position 1657, A replaced by G.
Protein change: p.Ile553Val; replaces isoleucine 553 with valine.
Molecular consequence: missense variant.
Genome position (GRCh38, 1-based): chr19:4,546,414, T>C on the plus strand (A>G on the coding strand, the complement: SEMA6B is on the minus strand). VCF-style: chr19-4546414-T-C. GRCh37 (hg19) VCF-style: chr19-4546426-T-C.
Other names: short protein forms I553V.
Identifiers: ClinVar variation 4999347 (VCV004999347.1).